The following is an entry in ClinVar:

ClinVar aggregate classification (germline): Uncertain significance (1 of 4 stars; one submission).

Conditions:
Familial focal epilepsy with variable foci (FPEVF). Identifiers: Orphanet 98820, MedGen C1858477, MONDO:0020310.

Allele frequency attached by ClinVar (database versions not stated): gnomAD 0.00001; gnomAD exomes 0.00001; ExAC 0.00002; TOPMed 0.00002.
gnomAD v4.1: 13 of 1,613,886 alleles (0.00081%); highest among the groups gnomAD compares: South Asian, 0.0088%; no homozygotes.

Submission:

Labcorp Genetics (formerly Invitae), Labcorp
Classification: Uncertain significance for Familial focal epilepsy with variable foci. Last evaluated: 2023-12-31. Review status: criteria provided, single submitter. Criteria: Invitae Variant Classification Sherloc (09022015). Collection method: clinical testing. Allele origin: germline.
Comment: This sequence change replaces valine, which is neutral and non-polar, with alanine, which is neutral and non-polar, at codon 1588 of the DEPDC5 protein (p.Val1588Ala). This variant is present in population databases (rs762136041, gnomAD 0.007%). This variant has not been reported in the literature in individuals affected with DEPDC5-related conditions. ClinVar contains an entry for this variant (Variation ID: 1923955). Experimental studies and prediction algorithms are not available or were not evaluated, and the functional significance of this variant is currently unknown. In summary, the available evidence is currently insufficient to determine the role of this variant in disease. Therefore, it has been classified as a Variant of Uncertain Significance.

NM_001242896.3(DEPDC5):c.4763T>C (p.Val1588Ala)

Gene: DEPDC5 (DEP domain containing 5, GATOR1 subcomplex subunit; plus strand). Cytogenetic location: 22q12.3.
Variant type: single nucleotide variant.
Coding change: c.4763T>C on transcript NM_001242896.3 (MANE Select); coding-DNA position 4763, T replaced by C.
Protein change: p.Val1588Ala; replaces valine 1588 with alanine.
Molecular consequence: missense variant. On other transcripts: non-coding transcript variant (5).
Genome position (GRCh38, 1-based): chr22:31,906,448, T>C. VCF-style: chr22-31906448-T-C. GRCh37 (hg19) VCF-style: chr22-32302434-T-C.
Other names: c.4736T>C, p.Val1579Ala (NM_001136029.4); c.4463T>C, p.Val1488Ala (NM_001242897.2); c.4697T>C, p.Val1566Ala (NM_001363852.2, NM_001364320.2); c.4529T>C, p.Val1510Ala (NM_001363854.2, NM_001364319.2); c.4763T>C, p.Val1588Ala (NM_001364318.2); c.4679T>C, p.Val1560Ala (NM_001369901.1, NM_001369902.1); c.4670T>C, p.Val1557Ala (NM_001369903.1, NM_014662.6); short protein forms V1560A, V1566A, V1588A, V1488A, V1510A, V1579A, V1557A.
Identifiers: ClinVar variation 1923955 (VCV001923955.5), dbSNP rs762136041, ClinGen allele CA10197330.
Genomic context (GRCh38, chr22:31,906,448, plus strand): 5'-TTGCTGATCGGCTGCTGAAGGACTTCACGGACTTCTGCATCAACCGTGACAACCGGCTGG[T>C]CACGTTCTGGACAAGTTGCCTGGAGAAGATGCATGCCAGTGCCCCGTGAGGCCAGGCTGC-3'
Protein context (NP_001229825.1, residues 1578-1598): DFCINRDNRL[Val1588Ala]TFWTSCLEKM